The following is an entry in ClinVar:

ClinVar aggregate classification (germline): Conflicting classifications of pathogenicity. Review status: criteria provided, conflicting classifications (1 of 4 stars). 3 submissions from 3 submitters: Uncertain significance (1); Likely benign (1). 1 of the submissions does not count toward it. Last evaluated 2026-01-19.

Conditions:
ACBD5-related disorder. Also called: ACBD5-related condition.

Allele frequency attached by ClinVar (database versions not stated): gnomAD 0.00001 and 0.00026; TOPMed 0.00004; gnomAD exomes 0.00040 and 0.00076; ExAC 0.00087; 1000 Genomes Project 30x 0.00109; 1000 Genomes Project 0.00120.
gnomAD v4.1: 628 of 1,614,044 alleles (0.039%); highest among the groups gnomAD compares: South Asian, 0.61%; 5 homozygotes.

Submissions (3):

Labcorp Genetics (formerly Invitae), Labcorp
Classification: Likely benign. Last evaluated: 2026-01-19. Review status: criteria provided, single submitter. Criteria: Invitae Variant Classification Sherloc (09022015). Collection method: clinical testing. Allele origin: germline.

CeGaT Center for Human Genetics Tuebingen
Classification: Uncertain significance. Last evaluated: 2017-11-01. Review status: criteria provided, single submitter. Criteria: CeGaT Center For Human Genetics Tuebingen Variant Classification Criteria Version 2. Collection method: clinical testing. Allele origin: germline. Affected: yes. Observed: 1 variant allele.

PreventionGenetics, part of Exact Sciences
Classification: Likely benign for ACBD5-related condition. Last evaluated: 2020-03-20. Review status: no assertion criteria provided. Collection method: clinical testing. Allele origin: germline. Not counted in ClinVar's aggregate classification.
Comment: This variant is classified as likely benign based on ACMG/AMP sequence variant interpretation guidelines (Richards et al. 2015 PMID: 25741868, with internal and published modifications).

NM_145698.5(ACBD5):c.262T>C (p.Ser88Pro)

Gene: ACBD5 (acyl-CoA binding domain containing 5; minus strand). Cytogenetic location: 10p12.1.
Variant type: single nucleotide variant.
Coding change: c.262T>C on transcript NM_145698.5 (MANE Select); coding-DNA position 262, T replaced by C.
Protein change: p.Ser88Pro; replaces serine 88 with proline.
Molecular consequence: missense variant. On other transcripts: intron variant (7).
Genome position (GRCh38, 1-based): chr10:27,235,132, A>G on the plus strand (T>C on the coding strand, the complement: ACBD5 is on the minus strand). VCF-style: chr10-27235132-A-G. GRCh37 (hg19) VCF-style: chr10-27524061-A-G.
Other names: c.157T>C, p.Ser53Pro (NM_001042473.4, NM_001352574.2, NM_001352575.2 and 6 more transcripts); c.256T>C, p.Ser86Pro (NM_001271512.3, NM_001352571.1, NM_001352586.1 and 1 more transcripts); c.283T>C, p.Ser95Pro (NM_001352568.1, NM_001352572.1); c.262T>C, p.Ser88Pro (NM_001352569.1, NM_001352570.1, NM_001352573.1 and 2 more transcripts); c.-25-3312T>C (NM_001301253.2, NM_001301251.2, NM_001352583.1 and 4 more transcripts); short protein forms S88P, S53P, S86P, S95P.
Identifiers: ClinVar variation 546639 (VCV000546639.54), dbSNP rs199700938, ClinGen allele CA5451006.